The following is an entry in ClinVar:

NM_002519.3(NPAT):c.2233A>C (p.Ser745Arg)

Gene: NPAT (nuclear protein, coactivator of histone transcription; minus strand). Cytogenetic location: 11q22.3.
Variant type: single nucleotide variant.
Coding change: c.2233A>C on transcript NM_002519.3 (MANE Select); coding-DNA position 2233, A replaced by C.
Protein change: p.Ser745Arg; replaces serine 745 with arginine.
Molecular consequence: missense variant.
Genome position (GRCh38, 1-based): chr11:108,172,751, T>G on the plus strand (A>C on the coding strand, the complement: NPAT is on the minus strand). VCF-style: chr11-108172751-T-G. GRCh37 (hg19) VCF-style: chr11-108043478-T-G.
Other names: c.2233A>C, p.Ser745Arg (NM_001321307.1); short protein forms S745R.
Identifiers: ClinVar variation 1788150 (VCV001788150.2), dbSNP rs2496718100, ClinGen allele CA382513407.

ClinVar aggregate classification (germline): Uncertain significance (1 of 4 stars; one submission).

Submission:

Ambry Genetics
Classification: Uncertain significance. Last evaluated: 2022-08-11. Review status: criteria provided, single submitter. Criteria: Ambry Variant Classification Scheme 2023. Collection method: clinical testing. Allele origin: germline.
Comment: The p.S745R variant (also known as c.2233A>C), located in coding exon 13 of the NPAT gene, results from an A to C substitution at nucleotide position 2233. The serine at codon 745 is replaced by arginine, an amino acid with dissimilar properties. This amino acid position is conserved. In addition, this alteration is predicted to be tolerated by in silico analysis. Since supporting evidence is limited at this time, the clinical significance of this alteration remains unclear.